The following is an entry in ClinVar:

ClinVar aggregate classification (germline): Uncertain significance (0 of 4 stars; one submission).

Conditions:
NRP1-related disorder. Also called: NRP1-related condition.

gnomAD v4.1: 13 of 1,612,680 alleles (0.00081%); highest among the groups gnomAD compares: Non-Finnish European, 0.001%; no homozygotes.

Submission:

PreventionGenetics, part of Exact Sciences
Classification: Uncertain significance for NRP1-related condition. Last evaluated: 2024-07-18. Review status: no assertion criteria provided. Collection method: clinical testing. Allele origin: germline.
Comment: The NRP1 c.955G>C variant is predicted to result in the amino acid substitution p.Glu319Gln. To our knowledge, this variant has not been reported in the literature. This variant is reported in 0.00089% of alleles in individuals of European (Non-Finnish) descent in gnomAD. At this time, the clinical significance of this variant is uncertain due to the absence of conclusive functional and genetic evidence.

NM_003873.7(NRP1):c.955G>C (p.Glu319Gln)

Gene: NRP1 (neuropilin 1; minus strand). Cytogenetic location: 10p11.22.
Variant type: single nucleotide variant.
Coding change: c.955G>C on transcript NM_003873.7 (MANE Select); coding-DNA position 955, G replaced by C.
Protein change: p.Glu319Gln; replaces glutamic acid 319 with glutamine.
Molecular consequence: missense variant. On other transcripts: non-coding transcript variant (1).
Genome position (GRCh38, 1-based): chr10:33,254,054, C>G on the plus strand (G>C on the coding strand, the complement: NRP1 is on the minus strand). VCF-style: chr10-33254054-C-G. GRCh37 (hg19) VCF-style: chr10-33542982-C-G.
Other names: c.955G>C, p.Glu319Gln (NM_001024628.3, NM_001024629.3, NM_001244972.2 and 2 more transcripts); short protein forms E319Q.
Identifiers: ClinVar variation 3352913 (VCV003352913.1).